The following is an entry in ClinVar:

NM_001035.3(RYR2):c.848+1G>A

Gene: RYR2 (ryanodine receptor 2; plus strand). Cytogenetic location: 1q43.
Variant type: single nucleotide variant.
Coding change: c.848+1G>A on transcript NM_001035.3 (MANE Select); the canonical splice donor site of the intron after coding-DNA position 848, G replaced by A.
Molecular consequence: splice donor variant.
Genome position (GRCh38, 1-based): chr1:237,417,124, G>A. VCF-style: chr1-237417124-G-A. GRCh37 (hg19) VCF-style: chr1-237580424-G-A.
Identifiers: ClinVar variation 201371 (VCV000201371.24), dbSNP rs772984053, ClinGen allele CA011045.

ClinVar aggregate classification (germline): Conflicting classifications of pathogenicity. Review status: criteria provided, conflicting classifications (1 of 4 stars). 8 submissions from 8 submitters: Pathogenic (1); Likely pathogenic (1); Uncertain significance (6). Last evaluated 2026-03-03.

Conditions:
Cardiovascular phenotype. Identifiers: MedGen CN230736.
Catecholaminergic polymorphic ventricular tachycardia (CVPT). Also called: Catecholamine-induced polymorphic ventricular tachycardia. Identifiers: Orphanet 3286, MedGen C5574922, MONDO:0017990.
Cardiomyopathy (CMYO). Also called: Cardiomyopathies. Identifiers: Orphanet 167848, MedGen C0878544, MONDO:0004994, HP:0001638. Inheritance: Various modes of inheritance.
Catecholaminergic polymorphic ventricular tachycardia 1. Also called: VENTRICULAR TACHYCARDIA, STRESS-INDUCED POLYMORPHIC 1; RYR2-Related Catecholaminergic Polymorphic Ventricular Tachycardia; VENTRICULAR TACHYCARDIA, CATECHOLAMINERGIC POLYMORPHIC, 1, WITH OR WITHOUT ATRIAL DYSFUNCTION AND/OR DILATED CARDIOMYOPATHY. Identifiers: Orphanet 3286, MedGen C1631597, MONDO:0011484, OMIM 604772.

Allele frequency attached by ClinVar (database versions not stated): TOPMed 0.00002; gnomAD exomes 0.00001 and 0.00002; gnomAD 0.00001; ExAC 0.00002.
gnomAD v4.1: 9 of 1,611,292 alleles (0.00056%); highest among the groups gnomAD compares: South Asian, 0.0022%; no homozygotes.

Submissions (8):

Victorian Clinical Genetics Services, Murdoch Childrens Research Institute
Classification: Likely pathogenic for Catecholaminergic polymorphic ventricular tachycardia 1. Last evaluated: 2026-03-03. Review status: criteria provided, single submitter. Criteria: ACMG Guidelines, 2015. Collection method: clinical testing. Allele origin: germline. Affected: yes.
Comment: This variant is classified as Likely pathogenic. Evidence in support of pathogenic classification: Splice site variant proven to affect splicing of the transcript with a known effect on protein sequence. This variant has been shown to result in the in-frame skipping of exon 11 (PMID: 37821546); Variant is present in gnomAD <0.001 for a dominant condition (v4: 9 heterozygote(s), 0 homozygote(s)); This variant has strong evidence for segregation with disease. This variant has been shown to co-segregate with catecholaminergic polymorphic ventricular tachycardia in this family; however, reduced penetrance is also observed (personal communication). Additional information: This variant is heterozygous; This gene is associated with autosomal dominant disease; Previous reports of pathogenicity for this variant is inconclusive. This variant has been classified as a VUS by multiple clinical laboratories in ClinVar. Another splice site variant(s) comparable to the one identified in this case has inconclusive previous evidence for pathogenicity. c.848+1G>C has been classified as a VUS by clinical laboratories in ClinVar; Variant is expected to truncate part of the MIR domain (DECIPHER, PMID: 37821546); Dominant negative and gain of function are known mechanisms of disease in this gene and are associated with catecholaminergic polymorphic ventricular tachycardia 1 (MIM#604772) and left ventricular non-compaction (PMIDs: 12459180, 27646203, 29477366, 31875585, 33500567). Loss of function has been reported for ventricular arrhythmias due to cardiac ryanodine receptor calcium release deficiency syndrome (MIM#115000); however, a dominant negative mechanism has not been excluded (PMID: 33536282); The condition associated with this gene has incomplete penetrance. Penetrance for CPVT is estimated to be 60-70% (PMID: 23549275); Inheritance information for this variant is not currently available in this individual.

Labcorp Genetics (formerly Invitae), Labcorp
Classification: Uncertain significance for Catecholaminergic polymorphic ventricular tachycardia 1. Last evaluated: 2025-11-13. Review status: criteria provided, single submitter. Criteria: Invitae Variant Classification Sherloc (09022015). Collection method: clinical testing. Allele origin: germline.
Comment: This sequence change affects a donor splice site in intron 11 of the RYR2 gene. It is expected to disrupt RNA splicing. Variants that disrupt the donor or acceptor splice site typically lead to a loss of protein function (PMID: 16199547), however the current clinical and genetic evidence is not sufficient to establish whether loss-of-function variants in RYR2 cause disease. This variant is present in population databases (rs772984053, gnomAD 0.02%). Disruption of this splice site has been observed in individual(s) with clinical features of catecholaminergic polymorphic ventricular tachycardia (PMID: 29453246, 37347419). ClinVar contains an entry for this variant (Variation ID: 201371). Algorithms developed to predict the effect of sequence changes on RNA splicing suggest that this variant may disrupt the consensus splice site. In summary, the available evidence is currently insufficient to determine the role of this variant in disease. Therefore, it has been classified as a Variant of Uncertain Significance.

Ambry Genetics
Classification: Uncertain significance for Cardiovascular phenotype. Last evaluated: 2025-10-28. Review status: criteria provided, single submitter. Criteria: Ambry Variant Classification Scheme 2023. Collection method: clinical testing. Allele origin: germline.
Comment: The c.848+1G>A intronic variant results from a G to A substitution one nucleotide after coding exon 11 of the RYR2 gene. This variant was reported in individual(s) with features consistent with RYR2-related ventricular arrhythmia (Kapplinger JD et al. Circ Genom Precis Med, 2018 Feb;11:e001424; Bergeman AT et al. Neth Heart J, 2023 Nov;31:444-451). This nucleotide position is highly conserved in available vertebrate species. In silico splice site analysis predicts that this alteration will weaken the native splice donor site. Alterations that disrupt the canonical splice site are expected to cause aberrant splicing, resulting in an abnormal protein or a transcript that is subject to nonsense-mediated mRNA decay. However, loss of function has not been established as a mechanism of disease. Based on the available evidence, the clinical significance of this alteration remains unclear.

Color Diagnostics, LLC DBA Color Health
Classification: Uncertain significance for Cardiomyopathy. Last evaluated: 2025-09-12. Review status: criteria provided, single submitter. Criteria: ACMG Guidelines, 2015. Collection method: clinical testing. Allele origin: germline.
Comment: This variant causes a G to A nucleotide substitution at the +1 position of intron 11 of the RYR2 gene. To our knowledge, functional studies have not been reported for this variant. This variant has been reported in an individual affected with catecholaminergic polymorphic ventricular tachycardia (PMID: 37347419) and in an individual suspected to be affected with catecholaminergic polymorphic ventricular tachycardia (PMID: 29453246). This variant has been identified in 4/248842 chromosomes in the general population by the Genome Aggregation Database (gnomAD). Clinical relevance of loss-of-function RYR2 truncation and splice variants in autosomal dominant cardiovascular disorders is not clearly established. The available evidence is insufficient to determine the role of this variant in disease conclusively. Therefore, this variant is classified as a Variant of Uncertain Significance.

All of Us Research Program, National Institutes of Health
Classification: Uncertain significance for Catecholaminergic polymorphic ventricular tachycardia. Last evaluated: 2024-09-23. Review status: criteria provided, single submitter. Criteria: ACMG Guidelines, 2015. Collection method: clinical testing. Allele origin: germline. Inheritance: Autosomal dominant inheritance. Observed: 4 variant alleles, 4 heterozygotes.
Comment: This variant causes a G to A nucleotide substitution at the +1 position of intron 11 of the RYR2 gene. Splice site prediction tools predict that this variant may have a significant impact on RNA splicing. Although this prediction has not been confirmed in published RNA studies, this variant is expected to result in an absent or disrupted protein product. To our knowledge, functional studies have not been reported for this variant. This variant has been reported in an individual affected with catecholaminergic polymorphic ventricular tachycardia (PMID: 37347419) and in an individual suspected to be affected with catecholaminergic polymorphic ventricular tachycardia (PMID: 29453246). This variant has been identified in 4/248842 chromosomes in the general population by the Genome Aggregation Database (gnomAD). Clinical relevance of loss-of-function RYR2 truncation and splice variants in autosomal dominant cardiovascular disorders is not clearly established. The available evidence is insufficient to determine the role of this variant in disease conclusively. Therefore, this variant is classified as a Variant of Uncertain Significance.

This study involves interpretation of variants in research participants for the purpose of population health screening. Participant phenotype was not available at the time of variant classification. Additional details can be found in publication PMID: 35346344, PMCID: PMC8962531

GeneDx
Classification: Uncertain significance. Last evaluated: 2020-09-02. Review status: criteria provided, single submitter. Criteria: GeneDx Variant Classification Process June 2021. Collection method: clinical testing. Allele origin: germline. Affected: yes.
Comment: Has not been previously published as pathogenic or benign to our knowledge; Not observed at a significant frequency in large population cohorts (Lek et al., 2016); Canonical splice site variant in a gene for which loss-of-function is not a known mechanism of disease; Reported with conflicting interpretations of pathogenicity in ClinVar; including one research laboratory which reports segregation with disease in multiple members of a family and in-house RNA studies showing skipping of exon 11 resulting in an in-frame deletion (ClinVar Variant ID#201371; SCV001156320.1; Landrum et al., 2016)

Agnes Ginges Centre for Molecular Cardiology, Centenary Institute
Classification: Pathogenic for Catecholaminergic polymorphic ventricular tachycardia. Last evaluated: 2018-03-08. Review status: criteria provided, single submitter. Criteria: ACMG Guidelines, 2015. Collection method: research. Allele origin: germline. Inheritance: Autosomal dominant inheritance. Affected: yes.
Comment: Co-segregation of this variant with disease has been reportedly demonstrated in the Netherlands in 9 additional family members. This variant is present in the Genome Aggregation Database at an allele frequency (AF) of 0.000016. Splice prediction tools MaxEntScan and AdaBoost both predict that this variant results in aberrant splicing. Loss of function is not an established mechanism of disease, however in-house RNA studies have shown that this variant causes skipping of exon 11, resulting in an in-frame deletion. In summary, this variant has found to segregate strongly in one family (PP1_strong), is rare in the general population (PM2), results in a shortened protein (PM4) and has been seen in at least 2 probands diagnosed with CPVT (PS4_supporting), therefore we classify RYR2 c.848+1G>A as 'pathogenic'.

Laboratory for Molecular Medicine, Mass General Brigham Personalized Medicine
Classification: Uncertain significance. Last evaluated: 2016-08-12. Review status: criteria provided, single submitter. Criteria: LMM Criteria. Collection method: clinical testing. Allele origin: germline.
Comment: Variant identified in a genome or exome case(s) and assessed due to predicted null impact of the variant or pathogenic assertions in the literature or databases. Disclaimer: This variant has not undergone full assessment. The following are preliminary notes: LOF not a known disease mechanism for this gene.

Literature cited by the submitters: PubMed 29477366 (cited by Victorian Clinical Genetics Services, Murdoch Childrens Research Institute); PubMed 23549275 (cited by Victorian Clinical Genetics Services, Murdoch Childrens Research Institute); PubMed 33954932 (cited by Victorian Clinical Genetics Services, Murdoch Childrens Research Institute); PubMed 31875585 (cited by Victorian Clinical Genetics Services, Murdoch Childrens Research Institute); PubMed 27646203 (cited by Victorian Clinical Genetics Services, Murdoch Childrens Research Institute); PubMed 12459180 (cited by Victorian Clinical Genetics Services, Murdoch Childrens Research Institute); PubMed 33500567 (cited by Victorian Clinical Genetics Services, Murdoch Childrens Research Institute); PubMed 37821546 (cited by Victorian Clinical Genetics Services, Murdoch Childrens Research Institute); PubMed 33536282 (cited by Victorian Clinical Genetics Services, Murdoch Childrens Research Institute); PubMed 16199547 (cited by Labcorp Genetics (formerly Invitae), Labcorp); PubMed 29453246 (cited by 4 submitters); PubMed 37347419 (cited by 4 submitters).